The following is an entry in ClinVar:

NM_014704.4(CEP104):c.1264G>A (p.Glu422Lys)

Gene: CEP104 (centrosomal protein 104; minus strand). Cytogenetic location: 1p36.32.
Variant type: single nucleotide variant.
Coding change: c.1264G>A on transcript NM_014704.4 (MANE Select); coding-DNA position 1264, G replaced by A.
Protein change: p.Glu422Lys; replaces glutamic acid 422 with lysine.
Molecular consequence: missense variant.
Genome position (GRCh38, 1-based): chr1:3,836,548, C>T on the plus strand (G>A on the coding strand, the complement: CEP104 is on the minus strand). VCF-style: chr1-3836548-C-T. GRCh37 (hg19) VCF-style: chr1-3753112-C-T.
Other names: short protein forms E422K.
Identifiers: ClinVar variation 1806317 (VCV001806317.2), dbSNP rs143877457, ClinGen allele CA551679.

ClinVar aggregate classification (germline): Uncertain significance. Review status: criteria provided, multiple submitters, no conflicts (2 of 4 stars). 2 submissions from 2 submitters: Uncertain significance (2). Last evaluated 2024-07-30.

Conditions:
Joubert syndrome 25 (JBTS25). Identifiers: Orphanet 475, MedGen C4084842, MONDO:0014770, OMIM 616781.

Allele frequency attached by ClinVar (database versions not stated): ExAC 0.00007; gnomAD 0.00007; ESP Exome Variant Server 0.00008; gnomAD exomes 0.00010; 1000 Genomes Project 0.00020; 1000 Genomes Project 30x 0.00031.
gnomAD v4.1: 159 of 1,579,942 alleles (0.01%); highest among the groups gnomAD compares: South Asian, 0.013%; no homozygotes.

Submissions (2):

Blueprint Genetics
Classification: Uncertain significance. Last evaluated: 2024-07-30. Review status: criteria provided, single submitter. Criteria: ACMG Guidelines, 2015. Collection method: clinical testing. Allele origin: germline.

Victorian Clinical Genetics Services, Murdoch Childrens Research Institute
Classification: Uncertain significance for Joubert syndrome 25. Last evaluated: 2020-05-21. Review status: criteria provided, single submitter. Criteria: ACMG Guidelines, 2015. Collection method: clinical testing. Allele origin: germline. Inheritance: Autosomal recessive inheritance. Affected: yes.
Comment: A heterozygous missense variant was identified, NM_014704.3(CEP104):c.1264G>A in exon 10 of the CEP104 gene. This substitution is predicted to create a minor amino acid change from a glutamic acid to a lysine at position 422 of the protein; NP_055519.1(CEP104):p.(Glu422Lys). The glutamic acid at this position has moderate conservation (100 vertebrates, UCSC), and is not situated in a known functional domain (NCBI, PDB). In silico software predicts this variant to be damaging (PolyPhen2, SIFT, CADD, Mutation Taster). The variant is present in the gnomAD population database at a global population frequency of 0.0050% (14 heterozygotes, 0 homozygotes) with a South Asian sub-population frequency of 0.013%. This variant has not previously been reported in clinical cases. Based on information available at the time of curation, this variant has been classified as a VUS.